The following is an entry in ClinVar:

NM_007272.3(CTRC):c.91G>A (p.Val31Met)

Gene: CTRC (chymotrypsin C; plus strand). Cytogenetic location: 1p36.21.
Variant type: single nucleotide variant.
Coding change: c.91G>A on transcript NM_007272.3 (MANE Select); coding-DNA position 91, G replaced by A.
Protein change: p.Val31Met; replaces valine 31 with methionine.
Molecular consequence: missense variant.
Genome position (GRCh38, 1-based): chr1:15,440,350, G>A. VCF-style: chr1-15440350-G-A. GRCh37 (hg19) VCF-style: chr1-15766846-G-A.
Other names: short protein forms V31M.
Identifiers: ClinVar variation 3226092 (VCV003226092.1), dbSNP rs1258820133, ClinGen allele CA338564612.

ClinVar aggregate classification (germline): Uncertain significance (1 of 4 stars; one submission).

Conditions:
Hereditary pancreatitis (PCTT). Also called: Hereditary chronic pancreatitis; PRSS1-Related Hereditary Pancreatitis. Identifiers: Orphanet 676, MedGen C0238339, MONDO:0008185, OMIM 167800.

gnomAD v4.1: 2 of 1,612,058 alleles (0.00012%); no homozygotes.

Submission:

Ambry Genetics
Classification: Uncertain significance for Hereditary pancreatitis. Last evaluated: 2023-11-08. Review status: criteria provided, single submitter. Criteria: Ambry Variant Classification Scheme 2023. Collection method: clinical testing. Allele origin: germline.
Comment: The p.V31M variant (also known as c.91G>A), located in coding exon 2 of the CTRC gene, results from a G to A substitution at nucleotide position 91. The valine at codon 31 is replaced by methionine, an amino acid with highly similar properties. This amino acid position is conserved. In addition, this alteration is predicted to be deleterious by in silico analysis. Since supporting evidence is limited at this time, the clinical significance of this alteration remains unclear.